The following is an entry in ClinVar:

NM_003200.5(TCF3):c.1357G>C (p.Ala453Pro)

Gene: TCF3 (transcription factor 3; minus strand). Cytogenetic location: 19p13.3.
Variant type: single nucleotide variant.
Coding change: c.1357G>C on transcript NM_003200.5 (MANE Select); coding-DNA position 1357, G replaced by C.
Protein change: p.Ala453Pro; replaces alanine 453 with proline.
Molecular consequence: missense variant.
Genome position (GRCh38, 1-based): chr19:1,619,204, C>G on the plus strand (G>C on the coding strand, the complement: TCF3 is on the minus strand). VCF-style: chr19-1619204-C-G. GRCh37 (hg19) VCF-style: chr19-1619203-C-G.
Other names: c.1357G>C, p.Ala453Pro (NM_001136139.4, NM_001351779.2); c.1354G>C, p.Ala452Pro (NM_001351778.2); short protein forms A452P, A453P.
Identifiers: ClinVar variation 3651141 (VCV003651141.2).
Genomic context (GRCh38, chr19:1,619,204, plus strand): 5'-GGAGGGTGCCTGGCTGGCTGGGGAGGGCCGCGTGGTTGTGCATGAGGCTGGTGCTGCCTG[C>G]GAGGCCGTCCTCGGGGTGGCTGCCTCCAACCTGCAGGCGTGGGGAGACGGGTGCATCAGG-3'
Protein context (NP_003191.1, residues 443-463): VGGSHPEDGL[Ala453Pro]GSTSLMHNHA

ClinVar aggregate classification (germline): Uncertain significance (1 of 4 stars; one submission).

Submission:

Labcorp Genetics (formerly Invitae), Labcorp
Classification: Uncertain significance. Last evaluated: 2024-04-25. Review status: criteria provided, single submitter. Criteria: Invitae Variant Classification Sherloc (09022015). Collection method: clinical testing. Allele origin: germline.
Comment: This sequence change replaces alanine, which is neutral and non-polar, with proline, which is neutral and non-polar, at codon 453 of the TCF3 protein (p.Ala453Pro). This variant is not present in population databases (gnomAD no frequency). This variant has not been reported in the literature in individuals affected with TCF3-related conditions. Algorithms developed to predict the effect of missense changes on protein structure and function output the following: SIFT: "Not Available"; PolyPhen-2: "Possibly Damaging"; Align-GVGD: "Not Available". The proline amino acid residue is found in multiple mammalian species, which suggests that this missense change does not adversely affect protein function. In summary, the available evidence is currently insufficient to determine the role of this variant in disease. Therefore, it has been classified as a Variant of Uncertain Significance.